The following is an entry in ClinVar:

ClinVar aggregate classification (germline): Uncertain significance (1 of 4 stars; one submission).

Conditions:
Left ventricular noncompaction 1 (LVNC1). Also called: LEFT VENTRICULAR NONCOMPACTION 1 WITH OR WITHOUT CONGENITAL HEART DEFECTS. Identifiers: Orphanet 54260, MedGen C1858725, MONDO:0011403, OMIM 604169.

gnomAD v4.1: 14 of 1,613,784 alleles (0.00087%); highest among the groups gnomAD compares: Non-Finnish European, 0.0012%; no homozygotes.

Submission:

Labcorp Genetics (formerly Invitae), Labcorp
Classification: Uncertain significance for Left ventricular noncompaction 1. Last evaluated: 2025-09-28. Review status: criteria provided, single submitter. Criteria: Invitae Variant Classification Sherloc (09022015). Collection method: clinical testing. Allele origin: germline.
Comment: This sequence change falls in intron 18 of the DTNA gene. It does not directly change the encoded amino acid sequence of the DTNA protein. This variant is present in population databases (rs771763313, gnomAD 0.004%). This variant has not been reported in the literature in individuals affected with DTNA-related conditions. ClinVar contains an entry for this variant (Variation ID: 3606837). Algorithms developed to predict the effect of sequence changes on RNA splicing suggest that this variant may create or strengthen a splice site. In summary, the available evidence is currently insufficient to determine the role of this variant in disease. Therefore, it has been classified as a Variant of Uncertain Significance.

NM_001386795.1(DTNA):c.1994-20T>G

Gene: DTNA (dystrobrevin alpha; plus strand). Cytogenetic location: 18q12.1.
Variant type: single nucleotide variant.
Coding change: c.1994-20T>G on transcript NM_001386795.1 (MANE Select); 20 bases into the intron before coding-DNA position 1994, T replaced by G.
Molecular consequence: intron variant.
Genome position (GRCh38, 1-based): chr18:34,879,531, T>G. VCF-style: chr18-34879531-T-G. GRCh37 (hg19) VCF-style: chr18-32459495-T-G.
Other names: c.1742-20T>G (NM_032975.4, NM_001386761.1); c.1739-20T>G (NM_001386762.1); c.1823-20T>G (NM_001386754.1, NM_001386755.1, NM_001386757.1 and 3 more transcripts); c.1820-20T>G (NM_001386760.1); c.1733-20T>G (NM_001386763.1, NM_001386764.1, NM_001198940.2 and 5 more transcripts); c.1730-20T>G (NM_001386768.1, NM_001386769.1); c.1754-20T>G (NM_001198939.2); c.1994-20T>G (NM_001386788.1); and 5 more.
Identifiers: ClinVar variation 3606837 (VCV003606837.2).